The following is an entry in ClinVar:

NM_017763.6(RNF43):c.2294T>C (p.Leu765Pro)

Gene: RNF43 (ring finger protein 43; minus strand). Cytogenetic location: 17q22.
Variant type: single nucleotide variant.
Coding change: c.2294T>C on transcript NM_017763.6 (MANE Select); coding-DNA position 2294, T replaced by C.
Protein change: p.Leu765Pro; replaces leucine 765 with proline.
Molecular consequence: missense variant.
Genome position (GRCh38, 1-based): chr17:58,357,482, A>G on the plus strand (T>C on the coding strand, the complement: RNF43 is on the minus strand). VCF-style: chr17-58357482-A-G. GRCh37 (hg19) VCF-style: chr17-56434843-A-G.
Other names: c.2294T>C (NM_017763.4); c.2294T>C, p.Leu765Pro (NM_001305544.3); c.1913T>C, p.Leu638Pro (NM_001305545.2); short protein forms L638P, L765P.
Identifiers: ClinVar variation 957810 (VCV000957810.12), dbSNP rs748813654, ClinGen allele CA8673035.

ClinVar aggregate classification (germline): Conflicting classifications of pathogenicity. Review status: criteria provided, conflicting classifications (1 of 4 stars). 4 submissions from 4 submitters: Uncertain significance (3); Likely benign (1). Last evaluated 2025-08-29.

Conditions:
Sessile serrated polyposis cancer syndrome (SSPCS). Identifiers: Orphanet 157798, MedGen C4310714, MONDO:0014919, OMIM 617108.

Allele frequency attached by ClinVar (database versions not stated): gnomAD exomes 0.00001 and 0.00002; ExAC 0.00002; gnomAD 0.00002; TOPMed 0.00002.
gnomAD v4.1: 30 of 1,614,106 alleles (0.0019%); highest among the groups gnomAD compares: Non-Finnish European, 0.0025%; no homozygotes.

Submissions (4):

Labcorp Genetics (formerly Invitae), Labcorp
Classification: Uncertain significance. Last evaluated: 2025-08-29. Review status: criteria provided, single submitter. Criteria: Invitae Variant Classification Sherloc (09022015). Collection method: clinical testing. Allele origin: germline.
Comment: This sequence change replaces leucine, which is neutral and non-polar, with proline, which is neutral and non-polar, at codon 765 of the RNF43 protein (p.Leu765Pro). This variant is present in population databases (rs748813654, gnomAD 0.004%). This missense change has been observed in individual(s) with pancreatic ductal adenocarcinoma (PMID: 28767289). ClinVar contains an entry for this variant (Variation ID: 957810). An algorithm developed to predict the effect of missense changes on protein structure and function outputs the following: PolyPhen-2: "Benign". The proline amino acid residue is found in multiple mammalian species, which suggests that this missense change does not adversely affect protein function. In summary, the available evidence is currently insufficient to determine the role of this variant in disease. Therefore, it has been classified as a Variant of Uncertain Significance.

Ambry Genetics
Classification: Likely benign. Last evaluated: 2025-02-27. Review status: criteria provided, single submitter. Criteria: Ambry Variant Classification Scheme 2023. Collection method: clinical testing. Allele origin: germline.

GeneDx
Classification: Uncertain significance. Last evaluated: 2023-11-21. Review status: criteria provided, single submitter. Criteria: GeneDx Variant Classification Process June 2021. Collection method: clinical testing. Allele origin: germline. Affected: yes.
Comment: Not observed at significant frequency in large population cohorts (gnomAD); In silico analysis supports that this missense variant does not alter protein structure/function; Observed in an individual with pancreatic ductal adenocarcinoma (PMID: 28767289); Variants in candidate genes are classified as variants of uncertain significance in accordance with ACMG guidelines (PMID: 25741868); This variant is associated with the following publications: (PMID: 28767289)

Baylor Genetics
Classification: Uncertain significance for Sessile serrated polyposis cancer syndrome. Last evaluated: 2023-06-19. Review status: criteria provided, single submitter. Criteria: ACMG Guidelines, 2015. Collection method: clinical testing. Allele origin: unknown.

Literature cited by the submitters: PubMed 28767289 (cited by Labcorp Genetics (formerly Invitae), Labcorp).